The following is an entry in ClinVar:

NM_001110556.2(FLNA):c.1349T>C (p.Met450Thr)

Gene: FLNA (filamin A; minus strand). Cytogenetic location: Xq28.
Variant type: single nucleotide variant.
Coding change: c.1349T>C on transcript NM_001110556.2 (MANE Select); coding-DNA position 1349, T replaced by C.
Protein change: p.Met450Thr; replaces methionine 450 with threonine.
Molecular consequence: missense variant.
Genome position (GRCh38, 1-based): chrX:154,366,104, A>G on the plus strand (T>C on the coding strand, the complement: FLNA is on the minus strand). VCF-style: chrX-154366104-A-G. GRCh37 (hg19) VCF-style: chrX-153594472-A-G.
Other names: c.1349T>C, p.Met450Thr (NM_001456.4); short protein forms M450T.
Identifiers: ClinVar variation 1030401 (VCV001030401.7), dbSNP rs1360400826, ClinGen allele CA415243767.

ClinVar aggregate classification (germline): Conflicting classifications of pathogenicity. Review status: criteria provided, conflicting classifications (1 of 4 stars). 3 submissions from 3 submitters: Uncertain significance (2); Likely benign (1). Last evaluated 2024-11-04.

Conditions:
Cardiac valvular dysplasia, X-linked (CVDPX). Also called: Isolated X-Linked Cardiac Valvular Dysplasia; MYXOMATOUS VALVULAR DYSTROPHY, X-LINKED; VALVULAR HEART DISEASE, CONGENITAL; FLNA-Related X-linked Cardiac Valvular Dysplasia; Congenital valvular dysplasia. Identifiers: Orphanet 1864, Orphanet 555877, Orphanet 75497, MedGen C0262436, MONDO:0010753, OMIM 314400.
Heterotopia, periventricular, X-linked dominant (PVNH1). Also called: PERIVENTRICULAR NODULAR HETEROTOPIA 1; X-linked periventricular heterotopia; PERIVENTRICULAR NODULAR HETEROTOPIA 4; HETEROTOPIA, PERIVENTRICULAR, 1. Identifiers: Orphanet 2149, Orphanet 82004, MedGen C1848213, MONDO:0010233, OMIM 300049.
Melnick-Needles syndrome (MNS). Also called: MELNICK-NEEDLES OSTEODYSPLASTY; OSTEODYSPLASTY OF MELNICK AND NEEDLES; Melnick-Needles Syndrome (FLNA-MNS). Identifiers: Orphanet 2484, MedGen C0025237, MONDO:0010650, OMIM 309350.
Frontometaphyseal dysplasia (FMD1). Identifiers: Orphanet 1826, MedGen C0265293, MONDO:0015942.
Oto-palato-digital syndrome, type II (OPD2). Also called: OPD II SYNDROME; FACIOPALATOOSSEOUS SYNDROME; Otopalatodigital Syndrome Type 2 (FLNA-OPD2); Otopalatodigital Syndrome, Type II. Identifiers: Orphanet 669, Orphanet 90652, MedGen C1844696, MONDO:0010571, OMIM 304120.
Familial thoracic aortic aneurysm and aortic dissection (TAAD). Also called: Thoracic aortic aneurysms and dissections. Identifiers: Orphanet 91387, MedGen C4707243, MONDO:0019625.

Allele frequency attached by ClinVar (database versions not stated): gnomAD exomes below 0.00001; gnomAD 0.00001; TOPMed 0.00002.
gnomAD v4.1: 6 of 1,209,358 alleles (0.0005%); highest among the groups gnomAD compares: Non-Finnish European, 0.00067%; no homozygotes.

Submissions (3):

Ambry Genetics
Classification: Uncertain significance for Familial thoracic aortic aneurysm and aortic dissection. Last evaluated: 2024-11-04. Review status: criteria provided, single submitter. Criteria: Ambry Variant Classification Scheme 2023. Collection method: clinical testing. Allele origin: germline.
Comment: The p.M450T variant (also known as c.1349T>C), located in coding exon 8 of the FLNA gene, results from a T to C substitution at nucleotide position 1349. The methionine at codon 450 is replaced by threonine, an amino acid with similar properties. This amino acid position is not well conserved in available vertebrate species. In addition, this alteration is predicted to be tolerated by in silico analysis. Based on data from gnomAD, the X allele has an overall frequency of <0.01% (1/21851) total alleles studied, with 0 hemizygote(s) observed. The highest observed frequency was 0.03% (1/2617) of European (Finnish) alleles. Based on the available evidence, the clinical significance of this variant remains unclear.

Labcorp Genetics (formerly Invitae), Labcorp
Classification: Likely benign for Oto-palato-digital syndrome, type II; Heterotopia, periventricular, X-linked dominant; Frontometaphyseal dysplasia; Melnick-Needles syndrome. Last evaluated: 2024-10-21. Review status: criteria provided, single submitter. Criteria: Invitae Variant Classification Sherloc (09022015). Collection method: clinical testing. Allele origin: germline.

Baylor Genetics
Classification: Uncertain significance for Cardiac valvular dysplasia, X-linked. Last evaluated: 2019-11-25. Review status: criteria provided, single submitter. Criteria: ACMG Guidelines, 2015. Collection method: clinical testing. Allele origin: unknown. Affected: yes.
Comment: This variant was determined to be of uncertain significance according to ACMG Guidelines, 2015 [PMID:25741868].